The following is an entry in ClinVar:

ClinVar aggregate classification (germline): Uncertain significance (1 of 4 stars; one submission).

gnomAD v4.1: 1 of 1,613,346 alleles (0.000062%); highest among the groups gnomAD compares: Non-Finnish European, 0.000085%; no homozygotes.

Submission:

GeneDx
Classification: Uncertain significance. Last evaluated: 2022-08-23. Review status: criteria provided, single submitter. Criteria: GeneDx Variant Classification Process June 2021. Collection method: clinical testing. Allele origin: germline. Affected: yes.
Comment: Not observed at significant frequency in large population cohorts (gnomAD); Missense variant in a gene in which most reported pathogenic variants are truncating/loss of function; Has not been previously published as pathogenic or benign to our knowledge; Located in the A-band region of TTN

NM_001267550.2(TTN):c.79334G>T (p.Arg26445Leu)

Genes: TTN (titin; minus strand), TTN-AS1 (TTN antisense RNA 1; plus strand). Cytogenetic location: 2q31.2.
Variant type: single nucleotide variant.
Coding change: c.79334G>T on transcript NM_001267550.2 (MANE Select); coding-DNA position 79334, G replaced by T.
Protein change: p.Arg26445Leu; replaces arginine 26445 with leucine.
Molecular consequence: missense variant.
Genome position (GRCh38, 1-based): chr2:178,566,798, C>A on the plus strand (G>T on the coding strand, the complement: TTN is on the minus strand). VCF-style: chr2-178566798-C-A. GRCh37 (hg19) VCF-style: chr2-179431525-C-A.
Other names: c.74411G>T, p.Arg24804Leu (NM_001256850.1); c.52139G>T, p.Arg17380Leu (NM_003319.4); c.71630G>T, p.Arg23877Leu (NM_133378.4); c.52514G>T, p.Arg17505Leu (NM_133432.3); c.52715G>T, p.Arg17572Leu (NM_133437.4); short protein forms R17380L, R17505L, R17572L, R23877L, R24804L, R26445L.
Identifiers: ClinVar variation 2430846 (VCV002430846.1), dbSNP rs764254441, ClinGen allele CA349597588.